The following is an entry in ClinVar:

NM_006005.3(WFS1):c.917T>C (p.Met306Thr)

Gene: WFS1 (wolframin ER transmembrane glycoprotein; plus strand). Cytogenetic location: 4p16.1.
Variant type: single nucleotide variant.
Coding change: c.917T>C on transcript NM_006005.3 (MANE Select); coding-DNA position 917, T replaced by C.
Protein change: p.Met306Thr; replaces methionine 306 with threonine.
Molecular consequence: missense variant.
Genome position (GRCh38, 1-based): chr4:6,300,712, T>C. VCF-style: chr4-6300712-T-C. GRCh37 (hg19) VCF-style: chr4-6302439-T-C.
Other names: c.917T>C, p.Met306Thr (NM_001145853.1); short protein forms M306T.
Identifiers: ClinVar variation 167850 (VCV000167850.49), dbSNP rs146114074, ClinGen allele CA180501.
Genomic context (GRCh38, chr4:6,300,712, plus strand): 5'-CCCAGGTGGTCAAGTACCCCCTGCACGCCATCATGGAGATCAAGGAGTACCTGATTGACA[T>C]GGCCTCCAGGGCAGGCATGCACTGGCTGTCCACCATCATCCCCACGCACCACATCAACGC-3'
Protein context (NP_005996.2, residues 296-316): IMEIKEYLID[Met306Thr]ASRAGMHWLS

ClinVar aggregate classification (germline): Conflicting classifications of pathogenicity. Review status: criteria provided, conflicting classifications (1 of 4 stars). 15 submissions from 14 submitters: Uncertain significance (1); Benign (10); Likely benign (2). 2 of the submissions do not count toward it. Last evaluated 2026-01-27.

Conditions:
WFS1-Related Spectrum Disorders.
Monogenic diabetes. Identifiers: Orphanet 183625, MedGen C3888631, MONDO:0015967.
Wolfram syndrome 1 (WFS1). Identifiers: Orphanet 3463, MedGen C4551693, MONDO:0009101, OMIM 222300.
Autosomal dominant nonsyndromic hearing loss 6 (LFSNHL). Also called: Autosomal dominant nonsyndromic deafness 6; DEAFNESS, AUTOSOMAL DOMINANT 6; DEAFNESS, AUTOSOMAL DOMINANT 14; DEAFNESS, AUTOSOMAL DOMINANT 38. Identifiers: Orphanet 90635, MedGen C1833021, MONDO:0010963, OMIM 600965.

Allele frequency attached by ClinVar (database versions not stated): TOPMed 0.00418; gnomAD exomes 0.00037 and 0.00098; ExAC 0.00120; gnomAD 0.00365 and 0.00389; 1000 Genomes Project 30x 0.00390; 1000 Genomes Project 0.00399; ESP Exome Variant Server 0.00408.
gnomAD v4.1: 1,102 of 1,614,058 alleles (0.068%); highest among the groups gnomAD compares: African/African-American, 1.3%; 9 homozygotes.

Submissions (15):

Labcorp Genetics (formerly Invitae), Labcorp
Classification: Benign. Last evaluated: 2026-01-27. Review status: criteria provided, single submitter. Criteria: Invitae Variant Classification Sherloc (09022015). Collection method: clinical testing. Allele origin: germline.

Mayo Clinic Laboratories, Mayo Clinic
Classification: Benign. Last evaluated: 2025-01-14. Review status: criteria provided, single submitter. Criteria: ACMG Guidelines, 2015. Collection method: clinical testing. Allele origin: germline. Observed: 3 variant alleles.
Comment: BS1, BS2, BP4

CeGaT Center for Human Genetics Tuebingen
Classification: Likely benign. Last evaluated: 2025-01-01. Review status: criteria provided, single submitter. Criteria: CeGaT Center For Human Genetics Tuebingen Variant Classification Criteria Version 2. Collection method: clinical testing. Allele origin: germline. Affected: yes. Observed: 1 variant allele.
Comment: WFS1: BP4, BS1

Blueprint Genetics
Classification: Likely benign. Last evaluated: 2024-11-25. Review status: criteria provided, single submitter. Criteria: ACMG Guidelines, 2015. Collection method: clinical testing. Allele origin: germline.

ARUP Laboratories, Molecular Genetics and Genomics, ARUP Laboratories
Classification: Benign. Last evaluated: 2024-03-29. Review status: criteria provided, single submitter. Criteria: ARUP Molecular Germline Variant Investigation Process 2024. Collection method: clinical testing. Allele origin: germline.

Personalized Diabetes Medicine Program, University of Maryland School of Medicine
Classification: Benign for Monogenic diabetes. Last evaluated: 2018-05-18. Review status: criteria provided, single submitter. Criteria: ACMG Guidelines, 2015. Collection method: research. Allele origin: unknown. Observed: 3 variant alleles, 3 heterozygotes.
Comment: ACMG criteria: BP4 (8 predictors, Revel score 0.141; 2 predictors for PP3, not using), BS1 (1.4% in 1000G African, 1.3% in gnomAD African), BS2 (37 cases and 31 controls in an online resource; 3 homozygotes in gnomAD African)= benign

Illumina Laboratory Services, Illumina
Classification: Benign for WFS1-Related Spectrum Disorders. Last evaluated: 2018-01-13. Review status: criteria provided, single submitter. Criteria: ICSL Variant Classification Criteria 13 December 2019. Collection method: clinical testing. Allele origin: germline.
Comment: This variant was observed in the ICSL laboratory as part of a predisposition screen in an ostensibly healthy population. It had not been previously curated by ICSL or reported in the Human Gene Mutation Database (HGMD: prior to June 1st, 2018), and was therefore a candidate for classification through an automated scoring system. Utilizing variant allele frequency, disease prevalence and penetrance estimates, and inheritance mode, an automated score was calculated to assess if this variant is too frequent to cause the disease. Based on the score and internal cut-off values, a variant classified as benign is not then subjected to further curation. The score for this variant resulted in a classification of benign for this disease.

Illumina Laboratory Services, Illumina
Classification: Benign for Autosomal dominant nonsyndromic hearing loss 6. Last evaluated: 2018-01-13. Review status: criteria provided, single submitter. Criteria: ICSL Variant Classification Criteria 13 December 2019. Collection method: clinical testing. Allele origin: germline.
Comment: the same text as in the submission from Illumina Laboratory Services, Illumina above.

GeneDx
Classification: Benign. Last evaluated: 2015-06-10. Review status: criteria provided, single submitter. Criteria: GeneDx Variant Classification (06012015). Collection method: clinical testing. Allele origin: germline. Affected: yes.
Comment: This variant is considered likely benign or benign based on one or more of the following criteria: it is a conservative change, it occurs at a poorly conserved position in the protein, it is predicted to be benign by multiple in silico algorithms, and/or has population frequency not consistent with disease.

Eurofins Ntd Llc (ga)
Classification: Benign. Last evaluated: 2014-01-31. Review status: criteria provided, single submitter. Criteria: EGL Classification Definitions 2015. Collection method: clinical testing. Allele origin: germline. Observed: 1 variant allele, 1 heterozygote.

Laboratory for Molecular Medicine, Mass General Brigham Personalized Medicine
Classification: Benign. Last evaluated: 2012-04-30. Review status: criteria provided, single submitter. Criteria: LMM Criteria. Collection method: clinical testing. Allele origin: germline. Observed: 1 variant allele.
Comment: Met306Thr in Exon 08 of WFS1: This variant is not expected to have clinical sign ificance because it has been identified in 1.2% (45/3738) of African American ch romosomes from a broad population by the NHLBI Exome Sequencing Project (dbSNP rs146114074).

Breakthrough Genomics
Classification: Benign. Review status: criteria provided, single submitter. Criteria: ACMG Guidelines, 2015. Collection method: not provided. Allele origin: germline. Inheritance: Autosomal recessive inheritance. Affected: yes.

Clinical Genomics, Uppaluri K&H Personalized Medicine Clinic
Classification: Uncertain significance for Wolfram syndrome 1. Review status: criteria provided, single submitter. Criteria: K & H Uppaluri Personalized Medicine Clinic Variant Classification & Assertion Criteria_Updated V.1. Collection method: research. Allele origin: unknown. Inheritance: Autosomal recessive inheritance.
Comment: Potent mutations in WFS1 gene are associated with Wolfram's syndrome, an autosomal recessive condition, which cause diabetes mellitus, diabetes insipidus, deafness and optic atrophy.However no sufficient evidence is found to ascertain the role of this particular variant rs146114074 yet.

Clinical Genetics, Academic Medical Center
Classification: Benign. Review status: no assertion criteria provided. Collection method: clinical testing. Allele origin: germline. Affected: yes. Study: VKGL Data-share Consensus. Not counted in ClinVar's aggregate classification.

Laboratory of Diagnostic Genome Analysis, Leiden University Medical Center (LUMC)
Classification: Likely benign. Review status: no assertion criteria provided. Collection method: clinical testing. Allele origin: germline. Affected: yes. Study: VKGL Data-share Consensus. Not counted in ClinVar's aggregate classification.

Literature cited by the submitters: PubMed 20738327 (cited by Clinical Genomics, Uppaluri K&H Personalized Medicine Clinic); PubMed 33879153 (cited by Clinical Genomics, Uppaluri K&H Personalized Medicine Clinic); PubMed 12955714 (cited by Clinical Genomics, Uppaluri K&H Personalized Medicine Clinic); PubMed 18060660 (cited by Clinical Genomics, Uppaluri K&H Personalized Medicine Clinic); PubMed 20301750 (cited by Clinical Genomics, Uppaluri K&H Personalized Medicine Clinic); PubMed 17603484 (cited by Clinical Genomics, Uppaluri K&H Personalized Medicine Clinic).